The following is an entry in ClinVar:

NM_152564.5(VPS13B):c.5740C>T (p.Arg1914Trp)

Gene: VPS13B (vacuolar protein sorting 13 homolog B; plus strand). Cytogenetic location: 8q22.2.
Variant type: single nucleotide variant.
Coding change: c.5740C>T on transcript NM_152564.5 (MANE Select); coding-DNA position 5740, C replaced by T.
Protein change: p.Arg1914Trp; replaces arginine 1914 with tryptophan.
Molecular consequence: missense variant.
Genome position (GRCh38, 1-based): chr8:99,642,330, C>T. VCF-style: chr8-99642330-C-T. GRCh37 (hg19) VCF-style: chr8-100654558-C-T.
Other names: c.5815C>T (NM_017890.3); c.5815C>T, p.Arg1939Trp (NM_017890.5); short protein forms R1939W, R1914W.
Identifiers: ClinVar variation 2147638 (VCV002147638.2), dbSNP rs141608582, ClinGen allele CA4823867.
Genomic context (GRCh38, chr8:99,642,330, plus strand): 5'-GAAAGTCTTCATGCATCCACAAGGTCATCTGCTAGACAAGCACTTGGTATAACTATTGTT[C>T]GGCAGCCTGGTCGAAGAGGAACTGGTGACTTACAGCTAGAGCCTTTTCTGTACTTTATTG-3'
Protein context (NP_689777.3, residues 1904-1924): ARQALGITIV[Arg1914Trp]QPGRRGTGDL

ClinVar aggregate classification (germline): Uncertain significance. Review status: criteria provided, multiple submitters, no conflicts (2 of 4 stars). 2 submissions from 2 submitters: Uncertain significance (2). Last evaluated 2024-12-25.

Conditions:
Inborn genetic diseases. Identifiers: MedGen C0950123, MeSH D030342.
Cohen syndrome (COH1). Also called: PEPPER SYNDROME; Cutis verticis gyrata, retinitis pigmentosa, and sensorineural deafness. Identifiers: Orphanet 193, MedGen C0265223, MONDO:0008999, OMIM 216550.

Allele frequency attached by ClinVar (database versions not stated): gnomAD 0.00002; TOPMed 0.00002; ESP Exome Variant Server 0.00008.
gnomAD v4.1: 20 of 1,613,994 alleles (0.0012%); highest among the groups gnomAD compares: East Asian, 0.0045%; no homozygotes.

Submissions (2):

Ambry Genetics
Classification: Uncertain significance for Inborn genetic diseases. Last evaluated: 2024-12-25. Review status: criteria provided, single submitter. Criteria: Ambry Variant Classification Scheme 2023. Collection method: clinical testing. Allele origin: germline.

Labcorp Genetics (formerly Invitae), Labcorp
Classification: Uncertain significance for Cohen syndrome. Last evaluated: 2022-07-09. Review status: criteria provided, single submitter. Criteria: Invitae Variant Classification Sherloc (09022015). Collection method: clinical testing. Allele origin: germline.
Comment: This sequence change replaces arginine, which is basic and polar, with tryptophan, which is neutral and slightly polar, at codon 1939 of the VPS13B protein (p.Arg1939Trp). This variant is present in population databases (rs141608582, gnomAD 0.004%). This variant has not been reported in the literature in individuals affected with VPS13B-related conditions. Algorithms developed to predict the effect of missense changes on protein structure and function are either unavailable or do not agree on the potential impact of this missense change (SIFT: "Not Available"; PolyPhen-2: "Probably Damaging"; Align-GVGD: "Not Available"). In summary, the available evidence is currently insufficient to determine the role of this variant in disease. Therefore, it has been classified as a Variant of Uncertain Significance.